The following is an entry in ClinVar:

ClinVar aggregate classification (germline): Likely pathogenic. Review status: criteria provided, multiple submitters, no conflicts (2 of 4 stars). 2 submissions from 2 submitters: Likely pathogenic (2). Last evaluated 2024-08-27.

Conditions:
Cardiomyopathy (CMYO). Also called: Cardiomyopathies. Identifiers: Orphanet 167848, MedGen C0878544, MONDO:0004994, HP:0001638. Inheritance: Various modes of inheritance.
Dilated cardiomyopathy 1G (CMD1G). Identifiers: Orphanet 154, MedGen C1858763, MONDO:0011400, OMIM 604145.
Autosomal recessive limb-girdle muscular dystrophy type 2J (LGMDR10). Also called: Limb-girdle muscular dystrophy, type 2J; MUSCULAR DYSTROPHY, LIMB-GIRDLE, AUTOSOMAL RECESSIVE 10. Identifiers: Orphanet 140922, MedGen C1837342, MONDO:0012127, OMIM 608807.

Submissions (2):

Labcorp Genetics (formerly Invitae), Labcorp
Classification: Likely pathogenic for Dilated cardiomyopathy 1G; Autosomal recessive limb-girdle muscular dystrophy type 2J. Last evaluated: 2024-08-27. Review status: criteria provided, single submitter. Criteria: Invitae Variant Classification Sherloc (09022015). Collection method: clinical testing. Allele origin: germline.
Comment: This sequence change creates a premature translational stop signal (p.Glu27638Lysfs*17) in the TTN gene. While this is not anticipated to result in nonsense mediated decay, it is expected to create a truncated TTN protein. This variant is not present in population databases (gnomAD no frequency). This premature translational stop signal has been observed in individual(s) with dilated cardiomyopathy (internal data). ClinVar contains an entry for this variant (Variation ID: 2442895). This variant is located in the A band of TTN (PMID: 25589632). Truncating variants in this region are significantly overrepresented in patients affected with dilated cardiomyopathy (PMID: 25589632). Truncating variants in this region have also been reported in individuals affected with autosomal recessive centronuclear myopathy (PMID: 23975875). In summary, the currently available evidence indicates that the variant is pathogenic, but additional data are needed to prove that conclusively. Therefore, this variant has been classified as Likely Pathogenic.

CHEO Genetics Diagnostic Laboratory, Children's Hospital of Eastern Ontario
Classification: Likely pathogenic for Cardiomyopathy. Last evaluated: 2021-09-21. Review status: criteria provided, single submitter. Criteria: ACMG Guidelines, 2015. Collection method: clinical testing. Allele origin: germline.

Literature cited by the submitters: PubMed 25589632 (cited by Labcorp Genetics (formerly Invitae), Labcorp); PubMed 23975875 (cited by Labcorp Genetics (formerly Invitae), Labcorp).

NM_001267550.2(TTN):c.82912del (p.Glu27638fs)

Genes: TTN (titin; minus strand), TTN-AS1 (TTN antisense RNA 1; plus strand). Cytogenetic location: 2q31.2.
Variant type: Deletion.
Coding change: c.82912del on transcript NM_001267550.2 (MANE Select); coding-DNA position 82912, one base deleted (G; older notation c.82912delG).
Protein change: p.Glu27638fs; shifts the reading frame from glutamic acid 27638.
Molecular consequence: frameshift variant.
Genome position (GRCh38, 1-based): chr2:178,563,220, C deleted on the plus strand (G on the coding strand, the reverse complement: TTN is on the minus strand). VCF-style (leftmost placement, unchanged base first): chr2-178563219-TC-T. GRCh37 (hg19) VCF-style: chr2-179427946-TC-T.
Other names: c.77989del, p.Glu25997fs (NM_001256850.1); c.55717del, p.Glu18573fs (NM_003319.4); c.75208del, p.Glu25070fs (NM_133378.4); c.56092del, p.Glu18698fs (NM_133432.3); c.56293del, p.Glu18765fs (NM_133437.4); short protein forms E18573fs, E18698fs, E18765fs, E25070fs, E25997fs, E27638fs.
Identifiers: ClinVar variation 2442895 (VCV002442895.4), dbSNP rs2468153827, ClinGen allele CA2580064678.
Genomic context (GRCh38, chr2:178,563,219, plus strand): 5'-GCAGGTTCACCTACACCTTCAGAATTGATGGCACAAATACGGAAGTTATATTCAGTGTTT[TC>T]TTTAAGCTTGGTCACTGTGAACTGCTTTCCTTGTAATCCTGTTGGTGGAGTGCAGGTTGT-3'